The following is an entry in ClinVar:

ClinVar aggregate classification (germline): Uncertain significance (1 of 4 stars; one submission).

Submission:

Labcorp Genetics (formerly Invitae), Labcorp
Classification: Uncertain significance. Last evaluated: 2024-07-01. Review status: criteria provided, single submitter. Criteria: Invitae Variant Classification Sherloc (09022015). Collection method: clinical testing. Allele origin: germline.
Comment: This sequence change falls in intron 6 of the PRPF31 gene. It does not directly change the encoded amino acid sequence of the PRPF31 protein. It affects a nucleotide within the consensus splice site. This variant is not present in population databases (gnomAD no frequency). This variant has not been reported in the literature in individuals affected with PRPF31-related conditions. ClinVar contains an entry for this variant (Variation ID: 2007291). Variants that disrupt the consensus splice site are a relatively common cause of aberrant splicing (PMID: 17576681, 9536098). Algorithms developed to predict the effect of sequence changes on RNA splicing suggest that this variant may disrupt the consensus splice site. In summary, the available evidence is currently insufficient to determine the role of this variant in disease. Therefore, it has been classified as a Variant of Uncertain Significance.

Literature cited by the submitters: PubMed 17576681; PubMed 9536098.

NM_015629.4(PRPF31):c.527+2dup

Gene: PRPF31 (pre-mRNA processing factor 31; plus strand). Cytogenetic location: 19q13.42.
Variant type: Duplication.
Coding change: c.527+2dup on transcript NM_015629.4 (MANE Select); the canonical splice donor site of the intron after coding-DNA position 527, one base duplicated (T; older notation c.527+2dupT).
Molecular consequence: splice donor variant.
Genome position (GRCh38, 1-based): chr19:54,123,562, T duplicated. VCF-style (leftmost placement, unchanged base first): chr19-54123561-G-GT. GRCh37 (hg19) VCF-style: chr19-54626940-G-GT.
Identifiers: ClinVar variation 2007291 (VCV002007291.4), dbSNP rs2516139302, ClinGen allele CA2580097776.